The following is an entry in ClinVar:

ClinVar aggregate classification (germline): Benign/Likely benign. Review status: criteria provided, multiple submitters, no conflicts (2 of 4 stars). 2 submissions from 2 submitters: Benign (1); Likely benign (1). Last evaluated 2023-07-17.

Conditions:
Hereditary cancer-predisposing syndrome. Also called: Hereditary neoplastic syndrome; Neoplastic Syndromes, Hereditary; Hereditary Cancer Syndrome; Tumor predisposition. Identifiers: Orphanet 140162, MedGen C0027672, MeSH D009386, MONDO:0015356.
Hereditary breast ovarian cancer syndrome. Also called: BRCA1- and BRCA2-Associated Hereditary Breast and Ovarian Cancer; Hereditary breast and ovarian cancer syndrome; Hereditary breast and ovarian cancer syndrome (HBOC); Hereditary breast and/or ovarian cancer syndrome; Breast and ovarian cancer; Hereditary breast and ovarian cancer. Identifiers: Orphanet 145, MedGen C0677776, MeSH D061325, MONDO:0003582. Disease mechanism: loss of function.

Submissions (2):

Labcorp Genetics (formerly Invitae), Labcorp
Classification: Benign for Hereditary breast ovarian cancer syndrome. Last evaluated: 2023-07-17. Review status: criteria provided, single submitter. Criteria: Invitae Variant Classification Sherloc (09022015). Collection method: clinical testing. Allele origin: germline.

University of Washington Department of Laboratory Medicine, University of Washington
Classification: Likely benign for Hereditary cancer-predisposing syndrome. Last evaluated: 2023-03-23. Review status: criteria provided, single submitter. Criteria: Dines et al. (Genet Med. 2020). Collection method: curation. Allele origin: germline.
Comment: Missense variant in a coldspot region where missense variants are very unlikely to be pathogenic (PMID:31911673).

BRCA1 coldspot (exon 11 using historical exon numbering). Reclassification based on statistical prior probability

NM_007294.4(BRCA1):c.1474A>G (p.Ile492Val)

Gene: BRCA1 (BRCA1 DNA repair associated; minus strand). Cytogenetic location: 17q21.31.
Variant type: single nucleotide variant.
Coding change: c.1474A>G on transcript NM_007294.4 (MANE Select); coding-DNA position 1474, A replaced by G.
Protein change: p.Ile492Val; replaces isoleucine 492 with valine.
Molecular consequence: missense variant. On other transcripts: intron variant (137).
Genome position (GRCh38, 1-based): chr17:43,094,057, T>C on the plus strand (A>G on the coding strand, the complement: BRCA1 is on the minus strand). VCF-style: chr17-43094057-T-C. GRCh37 (hg19) VCF-style: chr17-41246074-T-C.
Other names: c.1261A>G, p.Ile421Val (NM_001407571.1, NM_001407853.1, NM_001407894.1 and 9 more transcripts); c.1474A>G, p.Ile492Val (NM_001407581.1, NM_001407582.1, NM_001407583.1 and 30 more transcripts); c.1471A>G, p.Ile491Val (NM_001407587.1, NM_001407590.1, NM_001407591.1 and 22 more transcripts); c.1465A>G, p.Ile489Val (NM_001407646.1, NM_001407647.1); c.1351A>G, p.Ile451Val (NM_001407648.1, NM_001407664.1, NM_001407665.1 and 19 more transcripts); c.1348A>G, p.Ile450Val (NM_001407649.1, NM_001407670.1, NM_001407671.1 and 11 more transcripts); c.1396A>G, p.Ile466Val (NM_001407653.1, NM_001407654.1, NM_001407655.1 and 4 more transcripts); c.1393A>G, p.Ile465Val (NM_001407659.1, NM_001407660.1, NM_001407661.1 and 1 more transcripts); and 40 more; short protein forms I445V, I492V, I364V, I365V, I381V, I403V, I444V, I489V.
Identifiers: ClinVar variation 660456 (VCV000660456.12), dbSNP rs1597875858, ClinGen allele CA10599101.
Genomic context (GRCh38, chr17:43,094,057, plus strand): 5'-GGCCTGATGTAGGTCTCCTTTTACGCTTTAATTTATTTGTGAGGGGACGCTCTTGTATTA[T>C]CTGTGGCTCAGTAACAAATGCTCCTATAATTAGATTTTCAGTTACATGGCTTAAGTTGGG-3'
Protein context (NP_009225.1, residues 482-502): IIGAFVTEPQ[Ile492Val]IQERPLTNKL